The following is an entry in ClinVar:

NM_022356.4(P3H1):c.200C>G (p.Ala67Gly)

Genes: P3H1 (prolyl 3-hydroxylase 1; minus strand), LOC129930352 (ATAC-STARR-seq lymphoblastoid silent region 767; plus strand). Cytogenetic location: 1p34.2.
Variant type: single nucleotide variant.
Coding change: c.200C>G on transcript NM_022356.4 (MANE Select); coding-DNA position 200, C replaced by G.
Protein change: p.Ala67Gly; replaces alanine 67 with glycine.
Molecular consequence: missense variant.
Genome position (GRCh38, 1-based): chr1:42,766,772, G>C on the plus strand (C>G on the coding strand, the complement: P3H1 is on the minus strand). VCF-style: chr1-42766772-G-C. GRCh37 (hg19) VCF-style: chr1-43232443-G-C.
Other names: c.200C>G, p.Ala67Gly (NM_001146289.2, NM_001243246.2); short protein forms A67G.
Identifiers: ClinVar variation 1472301 (VCV001472301.8), dbSNP rs757325811, ClinGen allele CA339963927.

ClinVar aggregate classification (germline): Uncertain significance (1 of 4 stars; one submission).

Conditions:
Osteogenesis imperfecta type 8 (OI8). Identifiers: MedGen C1970458, MONDO:0012581, OMIM 610915.

Allele frequency attached by ClinVar (database versions not stated): gnomAD exomes below 0.00001; TOPMed below 0.00001.
gnomAD v4.1: 1 of 1,596,608 alleles (0.000063%); highest among the groups gnomAD compares: Non-Finnish European, 0.000085%; no homozygotes.

Submission:

Labcorp Genetics (formerly Invitae), Labcorp
Classification: Uncertain significance for Osteogenesis imperfecta type 8. Last evaluated: 2022-06-27. Review status: criteria provided, single submitter. Criteria: Invitae Variant Classification Sherloc (09022015). Collection method: clinical testing. Allele origin: germline.
Comment: This variant has not been reported in the literature in individuals affected with P3H1-related conditions. This sequence change replaces alanine, which is neutral and non-polar, with glycine, which is neutral and non-polar, at codon 67 of the P3H1 protein (p.Ala67Gly). This variant is not present in population databases (gnomAD no frequency). Algorithms developed to predict the effect of missense changes on protein structure and function (SIFT, PolyPhen-2, Align-GVGD) all suggest that this variant is likely to be tolerated. In summary, the available evidence is currently insufficient to determine the role of this variant in disease. Therefore, it has been classified as a Variant of Uncertain Significance.